The following is an entry in ClinVar:

NM_000179.3(MSH6):c.3510_3511insTAA (p.Asp1171Ter)

Gene: MSH6 (mutS homolog 6; plus strand). Cytogenetic location: 2p16.3.
Variant type: Insertion.
Coding change: c.3510_3511insTAA on transcript NM_000179.3 (MANE Select); coding-DNA positions 3510 to 3511, TAA inserted.
Protein change: p.Asp1171Ter; replaces aspartic acid 1171 with a stop codon.
Molecular consequence: nonsense.
Genome position: GRCh38 VCF-style: chr2-47804981-T-TTAA. GRCh37 (hg19) VCF-style: chr2-48032120-T-TTAA.
Other names: c.3120_3121insTAA, p.Asp1041Ter (NM_001281492.2); c.2604_2605insTAA, p.Asp869Ter (NM_001281493.2, NM_001281494.2); short protein forms D1041*, D869*, D1171*.
Identifiers: ClinVar variation 856750 (VCV000856750.1), dbSNP rs1669874125, ClinGen allele CA916080278.

ClinVar aggregate classification (germline): Pathogenic (1 of 4 stars; one submission).

Conditions:
Hereditary nonpolyposis colorectal neoplasms. Identifiers: MedGen C0009405, MeSH D003123.

Submission:

Labcorp Genetics (formerly Invitae), Labcorp
Classification: Pathogenic for Hereditary nonpolyposis colon cancer. Last evaluated: 2019-12-13. Review status: criteria provided, single submitter. Criteria: Invitae Variant Classification Sherloc (09022015). Collection method: clinical testing. Allele origin: germline.
Comment: This sequence change creates a premature translational stop signal (p.Asp1171*) in the MSH6 gene. It is expected to result in an absent or disrupted protein product. This variant is not present in population databases (ExAC no frequency). This variant has not been reported in the literature in individuals with MSH6-related conditions. Algorithms developed to predict the effect of sequence changes on RNA splicing suggest that this variant may create or strengthen a splice site, but this prediction has not been confirmed by published transcriptional studies. Loss-of-function variants in MSH6 are known to be pathogenic (PMID: 18269114, 24362816). For these reasons, this variant has been classified as Pathogenic.